The following is an entry in ClinVar:

ClinVar aggregate classification (germline): Pathogenic (1 of 4 stars; one submission).

Conditions:
Leber congenital amaurosis 13 (LCA13). Identifiers: MedGen C2675186, MONDO:0012990, OMIM 612712.

Submission:

Labcorp Genetics (formerly Invitae), Labcorp
Classification: Pathogenic for Leber congenital amaurosis 13. Last evaluated: 2025-11-02. Review status: criteria provided, single submitter. Criteria: Invitae Variant Classification Sherloc (09022015). Collection method: clinical testing. Allele origin: germline.
Comment: This sequence change affects a donor splice site in intron 6 of the RDH12 gene. It is expected to disrupt RNA splicing. Variants that disrupt the donor or acceptor splice site typically lead to a loss of protein function (PMID: 16199547), and loss-of-function variants in RDH12 are known to be pathogenic (PMID: 17964524, 22065924, 32014858, 34001834). This variant is not present in population databases (gnomAD no frequency). Disruption of this splice site has been observed in individuals with autosomal recessive RDH12-related conditions (PMID: 22065924, 32790509). Algorithms developed to predict the effect of sequence changes on RNA splicing suggest that this variant may disrupt the consensus splice site. For these reasons, this variant has been classified as Pathogenic.

Literature cited by the submitters: PubMed 16199547; PubMed 17964524; PubMed 22065924; PubMed 32014858; PubMed 34001834; PubMed 32790509.

NM_152443.3(RDH12):c.448+2T>A

Genes: RDH12 (retinol dehydrogenase 12; plus strand), GPHN (gephyrin; plus strand). Cytogenetic location: 14q24.1.
Variant type: single nucleotide variant.
Coding change: c.448+2T>A on transcript NM_152443.3 (MANE Select); the canonical splice donor site of the intron after coding-DNA position 448, T replaced by A.
Molecular consequence: splice donor variant.
Genome position (GRCh38, 1-based): chr14:67,726,157, T>A. VCF-style: chr14-67726157-T-A. GRCh37 (hg19) VCF-style: chr14-68192874-T-A.
Identifiers: ClinVar variation 4750851 (VCV004750851.1).
Genomic context (GRCh38, chr14:67,726,157, plus strand): 5'-GTGTCCATATTCCAAGACAGCTGATGGCTTTGAAACCCACCTGGGAGTCAACCACCTGGG[T>A]AAGTATCTTTGGGTGACTAAAAAATGAGGTACACCCACTATCTTTTCTTTAGGAAGATGA-3'